The following continues an entry in ClinVar:

NM_002834.5(PTPN11):c.214G>T (p.Ala72Ser)

Gene: PTPN11. ClinVar aggregate classification (germline): Pathogenic. Pathogenic (17).

Submissions 6 to 17 of 21:

ARUP Laboratories, Molecular Genetics and Genomics, ARUP Laboratories
Classification: Pathogenic. Last evaluated: 2023-09-11. Review status: criteria provided, single submitter. Criteria: ARUP Molecular Germline Variant Investigation Process 2024. Collection method: clinical testing. Allele origin: germline.
Comment: The PTPN11 c.214G>T; p.Ala72Ser variant (rs121918453) is reported in the literature in individuals affected with Noonan syndrome (Athota 2020, Chinton 2019, Hakami 2016, Kauffman 2021, Tartaglia 2001). This variant is also reported in ClinVar (Variation ID: 13324) and is absent from the Genome Aggregation Database, indicating it is not a common polymorphism. Additionally, other amino acid substitutions at this codon (Val, Asp, Thr, and Gly) have been reported in individuals with Noonan syndrome or leukemia and are considered disease-causing (Tartaglia 2005, Tartaglia 2002). Functional analyses demonstrate increased tyrosine-phosphatase activity resulting in prolonged ERK2 activation (Bocchinfuso 2007, Fragale 2004, Oishi 2006). Computational analyses predict that this variant is deleterious (REVEL: 0.805). Based on available information, this variant is considered to be pathogenic. References: Athota JP et al. Molecular and clinical studies in 107 Noonan syndrome affected individuals with PTPN11 mutations. BMC Med Genet. 2020 Mar 12;21(1):50. PMID: 32164556. Bocchinfuso G et al. Structural and functional effects of disease-causing amino acid substitutions affecting residues Ala72 and Glu76 of the protein tyrosine phosphatase SHP-2. Proteins. 2007 Mar 1;66(4):963-74. PMID: 17177198. Chinton J et al. Clinical and molecular characterization of children with Noonan syndrome and other RASopathies in Argentina. Arch Argent Pediatr. 2019 Oct 1;117(5):330-337. English, Spanish. PMID: 31560489. Fragale A et al. Noonan syndrome-associated SHP2/PTPN11 mutants cause EGF-dependent prolonged GAB1 binding and sustained ERK2/MAPK1 activation. Hum Mutat. 2004 Mar;23(3):267-77. PMID: 14974085. Hakami F et al. Retrospective study of prenatal ultrasound findings in newborns with a Noonan spectrum disorder. Prenat Diagn. 2016 May;36(5):418-23. PMID: 26918529. Kauffman H et al. Genotype-phenotype association by echocardiography offers incremental value in patients with Noonan Syndrome with Multiple Lentigines. Pediatr Res. 2021 Aug;90(2):444-451. PMID: 33318624. Oishi K et al. Transgenic Drosophila models of Noonan syndrome causing PTPN11 gain-of-function mutations. Hum Mol Genet. 2006 Feb 15;15(4):543-53. PMID: 16399795. Tartaglia M et al. Germ-line and somatic PTPN11 mutations in human disease. Eur J Med Genet. 2005 Apr-Jun;48(2):81-96. PMID: 16053901. Tartaglia M et al. Mutations in PTPN11, encoding the protein tyrosine phosphatase SHP-2, cause Noonan syndrome. Nat Genet. 2001 Dec;29(4):465-8. PMID: 11704759. Tartaglia M et al. PTPN11 mutations in Noonan syndrome: molecular spectrum, genotype-phenotype correlation, and phenotypic heterogeneity. Am J Hum Genet. 2002 Jun;70(6):1555-63. PMID: 11992261.

Blueprint Genetics
Classification: Pathogenic for PTPN11-related disorders. Last evaluated: 2023-08-08. Review status: criteria provided, single submitter. Criteria: ACMG Guidelines, 2015. Collection method: clinical testing. Allele origin: germline. Affected: yes. Observed: 2 variant alleles.

GeneDx
Classification: Pathogenic. Last evaluated: 2022-08-02. Review status: criteria provided, single submitter. Criteria: GeneDx Variant Classification Process June 2021. Collection method: clinical testing. Allele origin: germline. Affected: yes.
Comment: Identified in several patient patients with Noonan spectrum disorders referred for genetic testing at GeneDx and in published literature (Hakami et al., 2016); observed once apparently de novo; Published functional studies demonstrate a damaging effect; results in significantly increased tyrosine-phosphatase activity resulting in prolonged ligand-dependent ERK2 activation (Fragale et al., 2004; Oishi et al., 2006; Bocchinfuso et at., 2007); Not observed in large population cohorts (gnomAD); In silico analysis supports that this missense variant has a deleterious effect on protein structure/function; Missense variants in this gene are often considered pathogenic (HGMD); This variant is associated with the following publications: (PMID: 29907801, 30417923, 32164556, 16399795, 14974085, 11704759, 17177198, 24803665, 26918529, 30050098, 31560489, 33318624, 27535533, 32059087, 11992261, 9491886, 16053901, 29493581)

Illumina Laboratory Services, Illumina
Classification: Pathogenic for Noonan syndrome 1. Last evaluated: 2021-12-17. Review status: criteria provided, single submitter. Criteria: ICSLVariantClassificationCriteria RUGD 01 April 2020. Collection method: clinical testing. Allele origin: unknown.
Comment: The PTPN11 c.214G>T (p.Ala72Ser) missense variant results in the substitution of alanine at amino acid position 72 with serine. Across a selection of the available literature, this variant has been identified in a heterozygous state in at least six individuals with Noonan syndrome (Tartaglia et al. 2001; Kosaki et al. 2002; Musante et al. 2002; Noordam et al. 2006; Lazzaro et al. 2019). This variant is not found in version 2.1.1 or version 3.1.2 of the Genome Aggregation Database. In vitro functional studies demonstrated that the p.Ala72Ser variant significantly increased PTPN11 phosphatase activity and prolonged ERK activation (Fragale et al. 2004). This variant was identified in a de novo state. Based on the available evidence, the c.214G>T (p.Ala72Ser) variant is classified as pathogenic for Noonan syndrome.

Institute of Medical Genetics and Applied Genomics, University Hospital Tübingen
Classification: Pathogenic. Last evaluated: 2021-06-17. Review status: criteria provided, single submitter. Criteria: ACMG Guidelines, 2015. Collection method: clinical testing. Allele origin: germline. Inheritance: Autosomal dominant inheritance. Affected: yes.

CeGaT Center for Human Genetics Tuebingen
Classification: Pathogenic. Last evaluated: 2021-05-01. Review status: criteria provided, single submitter. Criteria: CeGaT Center For Human Genetics Tuebingen Variant Classification Criteria Version 2. Collection method: clinical testing. Allele origin: germline. Affected: yes. Observed: 1 variant allele.

Genome Diagnostics Laboratory, The Hospital for Sick Children
Classification: Pathogenic for Noonan syndrome and Noonan-related syndrome. Last evaluated: 2020-01-01. Review status: criteria provided, single submitter. Criteria: ACMG Guidelines, 2015. Collection method: clinical testing. Allele origin: germline. Affected: yes.

Women's Health and Genetics/Laboratory Corporation of America, LabCorp
Classification: Pathogenic for Rasopathy. Last evaluated: 2019-08-26. Review status: criteria provided, single submitter. Criteria: LabCorp Variant Classification Summary - May 2015. Collection method: clinical testing. Allele origin: germline.
Comment: Variant summary: PTPN11 c.214G>T (p.Ala72Ser) results in a conservative amino acid change located in the first Src homology 2 (SH2) domain (IPR000980) of the encoded protein sequence. Three of five in-silico tools predict a damaging effect of the variant on protein function. The variant was absent in 251856 control chromosomes (gnomAD and publication data). c.214G>T has been reported in the literature in multiple individuals affected with Noonan Syndrome (e.g. Tartaglia_2001, Kosaki_2002, Tartaglia_2006, Digilio_2013), in one of these publications the variant was reported to segregate with the disease in a family (Tartaglia_2001). These data indicate that the variant is very likely to be associated with disease. Publications also reported experimental evidence evaluating an impact on protein function, and demonstrated the variant increased phosphatase activity under basal and stimulated conditions (Tartaglia_2006, Bocchinfuso_2007). Missense variants affecting the same residue (A72T, A72P, A72G) and nearby residues (F71I, F71L, T73I) have been reported in patients affected with Noonan syndrome (HGMD), suggesting these residues are critical for PTPN11 function. Five other clinical diagnostic laboratories have submitted clinical-significance assessments for this variant to ClinVar after 2014 without evidence for independent evaluation, and all of them classified the variant as pathogenic. Based on the evidence outlined above, the variant was classified as pathogenic.

Fulgent Genetics
Classification: Pathogenic for LEOPARD syndrome 1; Metachondromatosis; Noonan syndrome 1; Juvenile myelomonocytic leukemia. Last evaluated: 2018-10-31. Review status: criteria provided, single submitter. Criteria: ACMG Guidelines, 2015. Collection method: clinical testing. Allele origin: unknown.

Center for Pediatric Genomic Medicine, Children's Mercy Hospital and Clinics
Classification: Pathogenic. Last evaluated: 2016-10-17. Review status: criteria provided, single submitter. Criteria: ACMG Guidelines, 2015. Collection method: clinical testing. Allele origin: germline.

Laboratory for Molecular Medicine, Mass General Brigham Personalized Medicine
Classification: Pathogenic for Noonan syndrome. Last evaluated: 2014-05-15. Review status: criteria provided, single submitter. Criteria: LMM Criteria. Collection method: clinical testing. Allele origin: germline. Inheritance: Autosomal dominant inheritance. Observed: 13 variant alleles.
Comment: The Ala72Ser variant has been reported in the literature in many individuals wit h clinical features of Noonan syndrome (Zenker 2004, Tartaglia 2006, Kosaki 2002 , Bocchinfuso 2007, Fragale 2004, Hung 2007, Limal 2006, Lo 2009, Martinelli 200 6, Musante 2003, Noordam 2008, Oishi 2006). Other variants at this position (Ala 72Thr, Ala72Val) have been observed as somatic changes in hematologic malignanci es, indicating the importance of this residue in normal function of the protein (Tartaglia 2005). In summary, this variant meets our criteria to be classified a s pathogenic.

Center for Genomics, Ann and Robert H. Lurie Children's Hospital of Chicago
Classification: Pathogenic for Noonan syndrome 1; LEOPARD syndrome 1. Review status: criteria provided, single submitter. Criteria: ACMG Guidelines, 2015. Collection method: clinical testing. Allele origin: germline.
Comment: PTPN11 NM_002834.3 exon3 p.Ala72Ser (c.214G>T): This variant has been reported in the literature in at least 8 individuals with a diagnosis or clinical suspicion of Noonan syndrome, segregating with disease in 3 affected family members (Tartaglia 2001 PMID:11704759, Koskai 2002 PMID:12161469, Musante 2003 PMID:12634870, Fragale 2004 PMID:14974085, Zenker 2004 PMID:15001945, Limal 2006 PMID:16263833, Martinelli 2006 PMID:16631468, Oishi 2006 PMID:16399795, Hung 2007 PMID:17339163, Noordam 2008 PMID:18562489, Lo 2010 PMID:19737548). This variant is not present in large control databases. This variant is present in ClinVar, with several labs classifying this variant as pathogenic. (Variation ID:13324). Evolutionary conservation and computational predictive tools for this variant are limited or unavailable. Of note, this variant occurs within the N-SH2/PTP interaction domain, a critical region for the function of this gene, and increases the likelihood that this variant is damaging (Tartaglia 2002 PMID: 11992261. Strullu 2014 PMID:25097206). In summary, this variant is classified as pathogenic based on the data above (presence in affected probands, segregation studies, absence in controls, presence in critical region/impact to protein).